The following is an entry in ClinVar:

ClinVar aggregate classification (germline): Uncertain significance. Review status: criteria provided, multiple submitters, no conflicts (2 of 4 stars). 2 submissions from 2 submitters: Uncertain significance (2). Last evaluated 2026-08-20.

Conditions:
PHIP-related disorder. Also called: PHIP-related condition; PHIP-related disorders.

Allele frequency attached by ClinVar (database versions not stated): ExAC 0.00002; gnomAD 0.00002; gnomAD exomes 0.00002; TOPMed 0.00002; ESP Exome Variant Server 0.00008.

Submissions (2):

PreventionGenetics, part of Exact Sciences
Classification: Uncertain significance for PHIP-related condition. Last evaluated: 2026-08-20. Review status: criteria provided, single submitter. Criteria: ACMG Guidelines, 2015. Collection method: clinical testing. Allele origin: germline.
Comment: The PHIP c.2470G>A variant is predicted to result in the amino acid substitution p.Val824Ile. To our knowledge, this variant has not been reported in the literature. This variant is reported in 0.0026% of alleles in individuals of European (non-Finnish) descent in gnomAD. At this time, the clinical significance of this variant is uncertain due to the absence of conclusive functional and genetic evidence.

Labcorp Genetics (formerly Invitae), Labcorp
Classification: Uncertain significance. Last evaluated: 2022-12-27. Review status: criteria provided, single submitter. Criteria: Invitae Variant Classification Sherloc (09022015). Collection method: clinical testing. Allele origin: germline.
Comment: Algorithms developed to predict the effect of missense changes on protein structure and function output the following: SIFT: "Not Available"; PolyPhen-2: "Not Available"; Align-GVGD: "Not Available". The isoleucine amino acid residue is found in multiple mammalian species, which suggests that this missense change does not adversely affect protein function. This variant has not been reported in the literature in individuals affected with PHIP-related conditions. This variant is present in population databases (rs368532156, gnomAD 0.003%). This sequence change replaces valine, which is neutral and non-polar, with isoleucine, which is neutral and non-polar, at codon 824 of the PHIP protein (p.Val824Ile). In summary, the available evidence is currently insufficient to determine the role of this variant in disease. Therefore, it has been classified as a Variant of Uncertain Significance.

NM_017934.7(PHIP):c.2470G>A (p.Val824Ile)

Gene: PHIP (PHIP subunit of CUL4-Ring ligase complex; minus strand). Cytogenetic location: 6q14.1.
Variant type: single nucleotide variant.
Coding change: c.2470G>A on transcript NM_017934.7 (MANE Select); coding-DNA position 2470, G replaced by A.
Protein change: p.Val824Ile; replaces valine 824 with isoleucine.
Molecular consequence: missense variant.
Genome position (GRCh38, 1-based): chr6:78,985,419, C>T on the plus strand (G>A on the coding strand, the complement: PHIP is on the minus strand). VCF-style: chr6-78985419-C-T. GRCh37 (hg19) VCF-style: chr6-79695136-C-T.
Other names: c.2470G>A (NM_017934.6); short protein forms V824I.
Identifiers: ClinVar variation 3017637 (VCV003017637.6), dbSNP rs368532156, ClinGen allele CA3899932.